The following is an entry in ClinVar:

NM_182760.4(SUMF1):c.47T>C (p.Leu16Pro)

Gene: SUMF1 (sulfatase modifying factor 1; minus strand). Cytogenetic location: 3p26.1.
Variant type: single nucleotide variant.
Coding change: c.47T>C on transcript NM_182760.4 (MANE Select); coding-DNA position 47, T replaced by C.
Protein change: p.Leu16Pro; replaces leucine 16 with proline.
Molecular consequence: missense variant.
Genome position (GRCh38, 1-based): chr3:4,467,199, A>G on the plus strand (T>C on the coding strand, the complement: SUMF1 is on the minus strand). VCF-style: chr3-4467199-A-G. GRCh37 (hg19) VCF-style: chr3-4508883-A-G.
Other names: c.47T>C, p.Leu16Pro (NM_001164674.2, NM_001164675.2); c.47T>C (NM_182760.3); short protein forms L16P.
Identifiers: ClinVar variation 1420419 (VCV001420419.4), dbSNP rs2124824986, ClinGen allele CA351794667.

ClinVar aggregate classification (germline): Uncertain significance. Review status: criteria provided, single submitter (1 of 4 stars). 2 submissions from 2 submitters: Uncertain significance (1). 1 of the submissions does not count toward it. Last evaluated 2021-11-16.

Conditions:
Multiple sulfatase deficiency (MSD). Also called: Mucosulfatidosis; Multiple Sulfatase Deficiency Disease; Sulfatidosis, Juvenile, Austin Type. Identifiers: Orphanet 585, MedGen C0268263, MONDO:0010088, OMIM 272200.

Submissions (2):

Labcorp Genetics (formerly Invitae), Labcorp
Classification: Uncertain significance for Multiple sulfatase deficiency. Last evaluated: 2021-11-16. Review status: criteria provided, single submitter. Criteria: Invitae Variant Classification Sherloc (09022015). Collection method: clinical testing. Allele origin: germline.
Comment: This sequence change replaces leucine, which is neutral and non-polar, with proline, which is neutral and non-polar, at codon 16 of the SUMF1 protein (p.Leu16Pro). This variant is not present in population databases (gnomAD no frequency). This variant has not been reported in the literature in individuals affected with SUMF1-related conditions. Algorithms developed to predict the effect of missense changes on protein structure and function output the following: SIFT: "Deleterious"; PolyPhen-2: "Benign"; Align-GVGD: "Class C0". The proline amino acid residue is found in multiple mammalian species, which suggests that this missense change does not adversely affect protein function. In summary, the available evidence is currently insufficient to determine the role of this variant in disease. Therefore, it has been classified as a Variant of Uncertain Significance.

Natera, Inc.
Classification: Uncertain significance for Multiple sulfatase deficiency. Last evaluated: 2025-05-08. Review status: no assertion criteria provided. Collection method: clinical testing. Allele origin: germline. Not counted in ClinVar's aggregate classification.